The following is an entry in ClinVar:

NM_002291.3(LAMB1):c.492A>T (p.Arg164Ser)

Gene: LAMB1 (laminin subunit beta 1; minus strand). Cytogenetic location: 7q31.1.
Variant type: single nucleotide variant.
Coding change: c.492A>T on transcript NM_002291.3 (MANE Select); coding-DNA position 492, A replaced by T.
Protein change: p.Arg164Ser; replaces arginine 164 with serine.
Molecular consequence: missense variant.
Genome position (GRCh38, 1-based): chr7:107,986,295, T>A on the plus strand (A>T on the coding strand, the complement: LAMB1 is on the minus strand). VCF-style: chr7-107986295-T-A. GRCh37 (hg19) VCF-style: chr7-107626740-T-A.
Other names: short protein forms R164S.
Identifiers: ClinVar variation 3250998 (VCV003250998.18), dbSNP rs759586137.

ClinVar aggregate classification (germline): Uncertain significance (1 of 4 stars; one submission).

Submission:

CeGaT Center for Human Genetics Tuebingen
Classification: Uncertain significance. Last evaluated: 2024-06-01. Review status: criteria provided, single submitter. Criteria: CeGaT Center For Human Genetics Tuebingen Variant Classification Criteria Version 2. Collection method: clinical testing. Allele origin: germline. Affected: yes. Observed: 1 variant allele.
Comment: LAMB1: PM2, PM3:Supporting, PP3